The following is an entry in ClinVar:

ClinVar aggregate classification (germline): Benign. Review status: criteria provided, multiple submitters, no conflicts (2 of 4 stars). 3 submissions from 3 submitters: Benign (3). Last evaluated 2026-02-02.

Conditions:
Atrioventricular septal defect, susceptibility to, 2. Identifiers: MedGen C1853508, MONDO:0011650, OMIM 606217.

Allele frequency attached by ClinVar (database versions not stated): ExAC 0.02972; gnomAD 0.06177; ESP Exome Variant Server 0.07197; TOPMed 0.07478; 1000 Genomes Project 0.08446; 1000 Genomes Project 30x 0.08791.
gnomAD v4.1: 21,752 of 1,036,400 alleles (2.1%); highest among the groups gnomAD compares: African/African-American, 22%; 1,683 homozygotes.

Submissions (3):

Labcorp Genetics (formerly Invitae), Labcorp
Classification: Benign for Atrioventricular septal defect, susceptibility to, 2. Last evaluated: 2026-02-02. Review status: criteria provided, single submitter. Criteria: Invitae Variant Classification Sherloc (09022015). Collection method: clinical testing. Allele origin: germline.

GeneDx
Classification: Benign. Last evaluated: 2013-10-01. Review status: criteria provided, single submitter. Criteria: GeneDx Variant Classification (06012015). Collection method: clinical testing. Allele origin: germline. Affected: yes.
Comment: This variant is considered likely benign or benign based on one or more of the following criteria: it is a conservative change, it occurs at a poorly conserved position in the protein, it is predicted to be benign by multiple in silico algorithms, and/or has population frequency not consistent with disease.

Breakthrough Genomics
Classification: Benign. Review status: criteria provided, single submitter. Criteria: ACMG Guidelines, 2015. Collection method: not provided. Allele origin: germline. Inheritance: Autosomal dominant inheritance. Affected: yes.

NM_001077415.3(CRELD1):c.1049-376T>C

Gene: CRELD1 (CRELD disulfide isomerase 1; plus strand). Cytogenetic location: 3p25.3.
Variant type: single nucleotide variant.
Coding change: c.1049-376T>C on transcript NM_001077415.3 (MANE Select); 376 bases into the intron before coding-DNA position 1049, T replaced by C.
Molecular consequence: intron variant. On other transcripts: missense variant (3).
Genome position (GRCh38, 1-based): chr3:9,943,989, T>C. VCF-style: chr3-9943989-T-C. GRCh37 (hg19) VCF-style: chr3-9985673-T-C.
Other names: p.M379T:ATG>ACG; c.1136T>C, p.Met379Thr (NM_001031717.4); c.1148T>C, p.Met383Thr (NM_001374317.1, NM_001374318.1); c.965-376T>C (NM_001374319.1, NM_001374320.1); c.1049-376T>C (NM_001374316.1, NM_015513.6); short protein forms M379T, M383T.
Identifiers: ClinVar variation 137031 (VCV000137031.11), dbSNP rs73118372, ClinGen allele CA2247940.